The following is an entry in ClinVar:

ClinVar aggregate classification (germline): Benign (1 of 4 stars; one submission).

Allele frequency attached by ClinVar (database versions not stated): 1000 Genomes Project 30x 0.39944; 1000 Genomes Project 0.40016; TOPMed 0.45631; gnomAD 0.48040.
gnomAD v4.1: 395,215 of 712,856 alleles (55%); highest among the groups gnomAD compares: Non-Finnish European, 61%; 114,183 homozygotes.

Submission:

Unidad de Genómica Garrahan, Hospital de Pediatría Garrahan
Classification: Benign. Last evaluated: 2024-01-24. Review status: criteria provided, single submitter. Criteria: ACMG Guidelines, 2015. Collection method: clinical testing. Allele origin: germline. Affected: no. Observed: 36 variant alleles.
Comment: This variant is classified as Benign based on local population frequency. This variant was detected in 41% of patients studied by a panel of primary immunodeficiencies. Number of patients: 36. Only high quality variants are reported.

NM_001253697.2(ERBIN):c.386+100C>G

Gene: ERBIN (erbb2 interacting protein; plus strand). Cytogenetic location: 5q12.3.
Variant type: single nucleotide variant.
Coding change: c.386+100C>G on transcript NM_001253697.2 (MANE Select); 100 bases into the intron after coding-DNA position 386, C replaced by G.
Molecular consequence: intron variant.
Genome position (GRCh38, 1-based): chr5:66,012,227, C>G. VCF-style: chr5-66012227-C-G. GRCh37 (hg19) VCF-style: chr5-65308055-C-G.
Other names: c.386+100C>G (NM_001253699.2, NM_018695.4, NM_001253698.2 and 2 more transcripts).
Identifiers: ClinVar variation 2688436 (VCV002688436.2), dbSNP rs706678, ClinGen allele CA120405437.